The following is an entry in ClinVar:

NM_000038.6(APC):c.3133C>G (p.Gln1045Glu)

Gene: APC (APC regulator of Wnt signaling pathway; plus strand). Cytogenetic location: 5q22.2.
Variant type: single nucleotide variant.
Coding change: c.3133C>G on transcript NM_000038.6 (MANE Select); coding-DNA position 3133, C replaced by G.
Protein change: p.Gln1045Glu; replaces glutamine 1045 with glutamic acid.
Molecular consequence: missense variant. On other transcripts: non-coding transcript variant (2).
Genome position (GRCh38, 1-based): chr5:112,838,727, C>G. VCF-style: chr5-112838727-C-G. GRCh37 (hg19) VCF-style: chr5-112174424-C-G.
Other names: c.3133C>G, p.Gln1045Glu (NM_001127510.3, NM_001354895.2, NM_001407450.1); c.3079C>G, p.Gln1027Glu (NM_001127511.3); c.3187C>G, p.Gln1063Glu (NM_001354896.2, NM_001407447.1, NM_001407448.1 and 1 more transcripts); c.3163C>G, p.Gln1055Glu (NM_001354897.2); c.3058C>G, p.Gln1020Glu (NM_001354898.2); c.3049C>G, p.Gln1017Glu (NM_001354899.2); c.3010C>G, p.Gln1004Glu (NM_001354900.2); c.2956C>G, p.Gln986Glu (NM_001354901.2, NM_001407453.1); and 11 more; short protein forms Q1017E, Q1020E, Q1027E, Q1035E, Q661E, Q916E, Q1055E, Q1073E.
Identifiers: ClinVar variation 4574598 (VCV004574598.1).

ClinVar aggregate classification (germline): Uncertain significance (1 of 4 stars; one submission).

Conditions:
Hereditary cancer-predisposing syndrome. Also called: Neoplastic Syndromes, Hereditary; Tumor predisposition; Hereditary Cancer Syndrome; Hereditary neoplastic syndrome. Identifiers: Orphanet 140162, MedGen C0027672, MeSH D009386, MONDO:0015356.

Submission:

Ambry Genetics
Classification: Uncertain significance for Hereditary cancer-predisposing syndrome. Last evaluated: 2025-10-23. Review status: criteria provided, single submitter. Criteria: Ambry Variant Classification Scheme 2023. Collection method: clinical testing. Allele origin: germline.
Comment: The p.Q1045E variant (also known as c.3133C>G), located in coding exon 15 of the APC gene, results from a C to G substitution at nucleotide position 3133. The glutamine at codon 1045 is replaced by glutamic acid, an amino acid with highly similar properties. This amino acid position is highly conserved in available vertebrate species. In addition, in silico predictors for this gene do not accurately predict pathogenicity. Missense variants in APC are not a common cause of disease (Spier I et al. Genet Med. 2024 Feb;26(2):100992). Based on the available evidence, the clinical significance of this variant remains unclear.